The following is an entry in ClinVar:

ClinVar aggregate classification (germline): Uncertain significance. Review status: criteria provided, multiple submitters, no conflicts (2 of 4 stars). 2 submissions from 2 submitters: Uncertain significance (2). Last evaluated 2023-09-26.

Conditions:
Charcot-Marie-Tooth disease type 2. Also called: Charcot-Marie-Tooth type 2. Identifiers: Orphanet 64746, MedGen C0270914, MONDO:0018993.

Submissions (2):

Ambry Genetics
Classification: Uncertain significance. Last evaluated: 2023-09-26. Review status: criteria provided, single submitter. Criteria: Ambry Variant Classification Scheme 2023. Collection method: clinical testing. Allele origin: germline.
Comment: The p.K644R variant (also known as c.1931A>G), located in coding exon 19 of the KIF1B gene, results from an A to G substitution at nucleotide position 1931. The lysine at codon 644 is replaced by arginine, an amino acid with highly similar properties. This amino acid position is well conserved in available vertebrate species. In addition, the in silico prediction for this alteration is inconclusive. The evidence for this gene-disease relationship is limited; therefore, the clinical significance of this alteration is unclear.

Labcorp Genetics (formerly Invitae), Labcorp
Classification: Uncertain significance for Charcot-Marie-Tooth disease type 2. Last evaluated: 2021-05-05. Review status: criteria provided, single submitter. Criteria: Invitae Variant Classification Sherloc (09022015). Collection method: clinical testing. Allele origin: germline.
Comment: In summary, the available evidence is currently insufficient to determine the role of this variant in disease. Therefore, it has been classified as a Variant of Uncertain Significance. This sequence change replaces lysine with arginine at codon 644 of the KIF1B protein (p.Lys644Arg). The lysine residue is highly conserved and there is a small physicochemical difference between lysine and arginine. This variant is not present in population databases (ExAC no frequency). This variant has not been reported in the literature in individuals with KIF1B-related conditions. Algorithms developed to predict the effect of missense changes on protein structure and function are either unavailable or do not agree on the potential impact of this missense change (SIFT: "Tolerated"; PolyPhen-2: "Probably Damaging"; Align-GVGD: "Class C0").

NM_001365951.3(KIF1B):c.2069A>G (p.Lys690Arg)

Gene: KIF1B (kinesin family member 1B; plus strand). Cytogenetic location: 1p36.22.
Variant type: single nucleotide variant.
Coding change: c.2069A>G on transcript NM_001365951.3 (MANE Select); coding-DNA position 2069, A replaced by G.
Protein change: p.Lys690Arg; replaces lysine 690 with arginine.
Molecular consequence: missense variant.
Genome position (GRCh38, 1-based): chr1:10,297,200, A>G. VCF-style: chr1-10297200-A-G. GRCh37 (hg19) VCF-style: chr1-10357258-A-G.
Other names: c.2069A>G, p.Lys690Arg (NM_001365952.1); c.1931A>G, p.Lys644Arg (NM_001365953.1, NM_015074.3, NM_183416.4); short protein forms K644R, K690R.
Identifiers: ClinVar variation 1507620 (VCV001507620.9), dbSNP rs2102259539, ClinGen allele CA338317843.
Genomic context (GRCh38, chr1:10,297,200, plus strand): 5'-ATTCTTGAATTTTTTTTTTTTTTTTTACTTCTAGGCTACAGGAAATGGAGATCTTATACA[A>G]AAAGGAGAAGGAAGAAGCAGATCTTCTTTTGGAGCAGCAGAGACTGGTAGGAGTCCTGAA-3'
Protein context (NP_001352880.1, residues 680-700): KRLQEMEILY[Lys690Arg]KEKEEADLLL